The following is an entry in ClinVar:

ClinVar aggregate classification (germline): Benign/Likely benign. Review status: criteria provided, multiple submitters, no conflicts (2 of 4 stars). 7 submissions from 7 submitters: Benign (4); Likely benign (3). Last evaluated 2026-06-01.

Conditions:
Early-infantile DEE. Also called: Ohtahara syndrome; Early infantile epileptic encephalopathy with suppression bursts; Early infantile epileptic encephalopathy. Identifiers: Orphanet 1934, MedGen C0393706, MONDO:0800491.
Inborn genetic diseases. Identifiers: MedGen C0950123, MeSH D030342.
Developmental and epileptic encephalopathy, 5 (DEE5). Identifiers: Orphanet 3451, MedGen C3150731, MONDO:0013277, OMIM 613477.

Allele frequency attached by ClinVar (database versions not stated): TOPMed 0.00012; ExAC 0.00016; gnomAD 0.00001; gnomAD exomes 0.00005 and 0.00024.
gnomAD v4.1: 76 of 1,614,098 alleles (0.0047%); highest among the groups gnomAD compares: Admixed American, 0.12%; no homozygotes.

Submissions (7):

CeGaT Center for Human Genetics Tuebingen
Classification: Likely benign. Last evaluated: 2026-06-01. Review status: criteria provided, single submitter. Criteria: CeGaT Center For Human Genetics Tuebingen Variant Classification Criteria Version 2. Collection method: clinical testing. Allele origin: germline. Affected: yes. Observed: 1 variant allele.
Comment: SPTAN1: BP4, BP7, BS1

Labcorp Genetics (formerly Invitae), Labcorp
Classification: Benign for Early-infantile DEE. Last evaluated: 2026-01-09. Review status: criteria provided, single submitter. Criteria: Invitae Variant Classification Sherloc (09022015). Collection method: clinical testing. Allele origin: germline.

Athena Diagnostics
Classification: Benign. Last evaluated: 2024-11-05. Review status: criteria provided, single submitter. Criteria: Athena Diagnostics Criteria. Collection method: clinical testing. Allele origin: unknown.

Genome-Nilou Lab
Classification: Benign for Developmental and epileptic encephalopathy, 5. Last evaluated: 2021-07-15. Review status: criteria provided, single submitter. Criteria: ACMG Guidelines, 2015. Collection method: clinical testing. Allele origin: germline. Affected: no.

Ambry Genetics
Classification: Likely benign for Inborn genetic diseases. Last evaluated: 2017-04-07. Review status: criteria provided, single submitter. Criteria: Ambry Variant Classification Scheme 2023. Collection method: clinical testing. Allele origin: germline.

GeneDx
Classification: Benign. Last evaluated: 2015-01-07. Review status: criteria provided, single submitter. Criteria: GeneDx Variant Classification (06012015). Collection method: clinical testing. Allele origin: germline. Affected: yes.
Comment: This variant is considered likely benign or benign based on one or more of the following criteria: it is a conservative change, it occurs at a poorly conserved position in the protein, it is predicted to be benign by multiple in silico algorithms, and/or has population frequency not consistent with disease.

Genetic Services Laboratory, University of Chicago
Classification: Likely benign. Last evaluated: 2013-08-01. Review status: criteria provided, single submitter. Criteria: ACMG Guidelines, 2007. Collection method: clinical testing. Allele origin: germline. Inheritance: Autosomal dominant inheritance.

NM_001130438.3(SPTAN1):c.979C>T (p.Leu327=)

Gene: SPTAN1 (spectrin alpha, non-erythrocytic 1; plus strand). Cytogenetic location: 9q34.11.
Variant type: single nucleotide variant.
Coding change: c.979C>T on transcript NM_001130438.3 (MANE Select); coding-DNA position 979, C replaced by T.
Protein change: p.Leu327=; no amino-acid change (leucine 327 retained).
Molecular consequence: synonymous variant.
Genome position (GRCh38, 1-based): chr9:128,577,400, C>T. VCF-style: chr9-128577400-C-T. GRCh37 (hg19) VCF-style: chr9-131339679-C-T.
Other names: p.L327L:CTG>TTG; c.979C>T, p.Leu327= (NM_001195532.2, NM_001363759.2, NM_001363765.2 and 1 more transcripts).
Identifiers: ClinVar variation 160031 (VCV000160031.22), dbSNP rs587784442, ClinGen allele CA295196.